The following is an entry in ClinVar:

ClinVar aggregate classification (germline): Uncertain significance (1 of 4 stars; one submission).

Submission:

Labcorp Genetics (formerly Invitae), Labcorp
Classification: Uncertain significance. Last evaluated: 2025-05-08. Review status: criteria provided, single submitter. Criteria: Invitae Variant Classification Sherloc (09022015). Collection method: clinical testing. Allele origin: germline.
Comment: This sequence change replaces glutamic acid, which is acidic and polar, with lysine, which is basic and polar, at codon 420 of the INPPL1 protein (p.Glu420Lys). This variant is present in population databases (no rsID available, gnomAD 0.02%). This variant has not been reported in the literature in individuals affected with INPPL1-related conditions. An algorithm developed to predict the effect of missense changes on protein structure and function (PolyPhen-2) suggests that this variant is likely to be disruptive. In summary, the available evidence is currently insufficient to determine the role of this variant in disease. Therefore, it has been classified as a Variant of Uncertain Significance.

NM_001567.4(INPPL1):c.1258G>A (p.Glu420Lys)

Gene: INPPL1 (inositol polyphosphate phosphatase like 1; plus strand). Cytogenetic location: 11q13.4.
Variant type: single nucleotide variant.
Coding change: c.1258G>A on transcript NM_001567.4 (MANE Select); coding-DNA position 1258, G replaced by A.
Protein change: p.Glu420Lys; replaces glutamic acid 420 with lysine.
Molecular consequence: missense variant.
Genome position (GRCh38, 1-based): chr11:72,230,856, G>A. VCF-style: chr11-72230856-G-A. GRCh37 (hg19) VCF-style: chr11-71941900-G-A.
Other names: c.1324G>A, p.Glu442Lys (NM_001440434.1); c.1258G>A, p.Glu420Lys (NM_001440435.1, NM_001440436.1, NM_001440438.1); c.1117G>A, p.Glu373Lys (NM_001440437.1); short protein forms E373K, E442K, E420K.
Identifiers: ClinVar variation 4775177 (VCV004775177.1).